The following is an entry in ClinVar:

ClinVar aggregate classification (germline): Uncertain significance. Review status: criteria provided, multiple submitters, no conflicts (2 of 4 stars). 2 submissions from 2 submitters: Uncertain significance (2). Last evaluated 2025-12-22.

Conditions:
Hereditary cancer-predisposing syndrome. Also called: Tumor predisposition; Hereditary Cancer Syndrome; Hereditary neoplastic syndrome; Neoplastic Syndromes, Hereditary. Identifiers: Orphanet 140162, MedGen C0027672, MeSH D009386, MONDO:0015356.
Familial adenomatous polyposis 1 (FAP1). Also called: FAMILIAL ADENOMATOUS POLYPOSIS 1, ATTENUATED; POLYPOSIS, ADENOMATOUS INTESTINAL. Identifiers: MedGen C2713442, MONDO:0021056, OMIM 175100. Disease mechanism: loss of function.

Allele frequency attached by ClinVar (database versions not stated): gnomAD exomes below 0.00001.
gnomAD v4.1: 1 of 1,613,962 alleles (0.000062%); highest among the groups gnomAD compares: Non-Finnish European, 0.000085%; no homozygotes.

Submissions (2):

Ambry Genetics
Classification: Uncertain significance for Hereditary cancer-predisposing syndrome. Last evaluated: 2025-12-22. Review status: criteria provided, single submitter. Criteria: Ambry Variant Classification Scheme 2023. Collection method: clinical testing. Allele origin: germline.
Comment: The p.T2676P variant (also known as c.8026A>C), located in coding exon 15 of the APC gene, results from an A to C substitution at nucleotide position 8026. The threonine at codon 2676 is replaced by proline, an amino acid with highly similar properties. This amino acid position is conserved. In addition, in silico predictors for this gene do not accurately predict pathogenicity. Based on the available evidence, the clinical significance of this variant remains unclear.

Labcorp Genetics (formerly Invitae), Labcorp
Classification: Uncertain significance for Familial adenomatous polyposis 1. Last evaluated: 2023-11-24. Review status: criteria provided, single submitter. Criteria: Invitae Variant Classification Sherloc (09022015). Collection method: clinical testing. Allele origin: germline.
Comment: This sequence change replaces threonine, which is neutral and polar, with proline, which is neutral and non-polar, at codon 2676 of the APC protein (p.Thr2676Pro). This variant is not present in population databases (gnomAD no frequency). This variant has not been reported in the literature in individuals affected with APC-related conditions. Advanced modeling of protein sequence and biophysical properties (such as structural, functional, and spatial information, amino acid conservation, physicochemical variation, residue mobility, and thermodynamic stability) performed at Invitae indicates that this missense variant is not expected to disrupt APC protein function with a negative predictive value of 95%. In summary, the available evidence is currently insufficient to determine the role of this variant in disease. Therefore, it has been classified as a Variant of Uncertain Significance.

NM_000038.6(APC):c.8026A>C (p.Thr2676Pro)

Gene: APC (APC regulator of Wnt signaling pathway; plus strand). Cytogenetic location: 5q22.2.
Variant type: single nucleotide variant.
Coding change: c.8026A>C on transcript NM_000038.6 (MANE Select); coding-DNA position 8026, A replaced by C.
Protein change: p.Thr2676Pro; replaces threonine 2676 with proline.
Molecular consequence: missense variant. On other transcripts: non-coding transcript variant (2).
Genome position (GRCh38, 1-based): chr5:112,843,620, A>C. VCF-style: chr5-112843620-A-C. GRCh37 (hg19) VCF-style: chr5-112179317-A-C.
Other names: c.8026A>C, p.Thr2676Pro (NM_001127510.3, NM_001354895.2, NM_001407450.1); c.7972A>C, p.Thr2658Pro (NM_001127511.3); c.8080A>C, p.Thr2694Pro (NM_001354896.2, NM_001407447.1, NM_001407448.1 and 1 more transcripts); c.8056A>C, p.Thr2686Pro (NM_001354897.2); c.7951A>C, p.Thr2651Pro (NM_001354898.2); c.7942A>C, p.Thr2648Pro (NM_001354899.2); c.7903A>C, p.Thr2635Pro (NM_001354900.2); c.7849A>C, p.Thr2617Pro (NM_001354901.2, NM_001407453.1); and 12 more; short protein forms T2550P, T2635P, T2666P, T2669P, T2393P, T2593P, T2617P, T2651P.
Identifiers: ClinVar variation 2698335 (VCV002698335.4), dbSNP rs1766625941, ClinGen allele CA16038762.